The following is an entry in ClinVar:

NM_004064.5(CDKN1B):c.391G>A (p.Val131Met)

Gene: CDKN1B (cyclin dependent kinase inhibitor 1B; plus strand). Cytogenetic location: 12p13.1.
Variant type: single nucleotide variant.
Coding change: c.391G>A on transcript NM_004064.5 (MANE Select); coding-DNA position 391, G replaced by A.
Protein change: p.Val131Met; replaces valine 131 with methionine.
Molecular consequence: missense variant.
Genome position (GRCh38, 1-based): chr12:12,718,230, G>A. VCF-style: chr12-12718230-G-A. GRCh37 (hg19) VCF-style: chr12-12871164-G-A.
Other names: short protein forms V131M.
Identifiers: ClinVar variation 933894 (VCV000933894.9), dbSNP rs1565419631, ClinGen allele CA383970573.

ClinVar aggregate classification (germline): Uncertain significance (1 of 4 stars; one submission).

Conditions:
Multiple endocrine neoplasia type 4. Also called: MULTIPLE ENDOCRINE NEOPLASIA, TYPE IV. Identifiers: Orphanet 276152, MedGen C1970712, MONDO:0012552, OMIM 610755.

Submission:

Labcorp Genetics (formerly Invitae), Labcorp
Classification: Uncertain significance for Multiple endocrine neoplasia type 4. Last evaluated: 2020-04-07. Review status: criteria provided, single submitter. Criteria: Invitae Variant Classification Sherloc (09022015). Collection method: clinical testing. Allele origin: germline.
Comment: This sequence change replaces valine with methionine at codon 131 of the CDKN1B protein (p.Val131Met). The valine residue is highly conserved and there is a small physicochemical difference between valine and methionine. In summary, the available evidence is currently insufficient to determine the role of this variant in disease. Therefore, it has been classified as a Variant of Uncertain Significance. Algorithms developed to predict the effect of missense changes on protein structure and function are either unavailable or do not agree on the potential impact of this missense change (SIFT: "Deleterious"; PolyPhen-2: "Benign"; Align-GVGD: "Class C0"). This variant has not been reported in the literature in individuals with CDKN1B-related conditions. This variant is not present in population databases (ExAC no frequency).